The following is an entry in ClinVar:

NM_152296.5(ATP1A3):c.1474C>G (p.Arg492Gly)

Gene: ATP1A3 (ATPase Na+/K+ transporting subunit alpha 3; minus strand). Cytogenetic location: 19q13.2.
Variant type: single nucleotide variant.
Coding change: c.1474C>G on transcript NM_152296.5 (MANE Select); coding-DNA position 1474, C replaced by G.
Protein change: p.Arg492Gly; replaces arginine 492 with glycine.
Molecular consequence: missense variant.
Genome position (GRCh38, 1-based): chr19:41,978,762, G>C on the plus strand (C>G on the coding strand, the complement: ATP1A3 is on the minus strand). VCF-style: chr19-41978762-G-C. GRCh37 (hg19) VCF-style: chr19-42482914-G-C.
Other names: c.1507C>G, p.Arg503Gly (NM_001256213.2); c.1513C>G, p.Arg505Gly (NM_001256214.2); short protein forms R492G, R505G, R503G.
Identifiers: ClinVar variation 578191 (VCV000578191.8), dbSNP rs1254049182, ClinGen allele CA406047415.
Genomic context (GRCh38, chr19:41,978,762, plus strand): 5'-GGATGGTGGAGCAGCGGTCCAGGATGCGCTCGGGGGCACCCTTCATCACCAGCAGGTATC[G>C]GTTGTCGTTGGGGTCCTCGGTCTCATGGATGGAGAGCTGGGGACCGATCAGAGGGTGGCG-3'
Protein context (NP_689509.1, residues 482-502): IHETEDPNDN[Arg492Gly]YLLVMKGAPE

ClinVar aggregate classification (germline): Uncertain significance (1 of 4 stars; one submission).

Conditions:
Dystonia 12 (DYT12). Also called: Rapid-Onset Dystonia-Parkinsonism (RDP); DYT-ATP1A3. Identifiers: Orphanet 71517, MedGen C1868681, MONDO:0007496, OMIM 128235.

Allele frequency attached by ClinVar (database versions not stated): TOPMed below 0.00001; gnomAD 0.00001.
gnomAD v4.1: 1 of 1,613,942 alleles (0.000062%); highest among the groups gnomAD compares: African/African-American, 0.0013%; no homozygotes.

Submission:

Labcorp Genetics (formerly Invitae), Labcorp
Classification: Uncertain significance for Dystonia 12. Last evaluated: 2025-12-31. Review status: criteria provided, single submitter. Criteria: Invitae Variant Classification Sherloc (09022015). Collection method: clinical testing. Allele origin: germline.
Comment: This sequence change replaces arginine, which is basic and polar, with glycine, which is neutral and non-polar, at codon 492 of the ATP1A3 protein (p.Arg492Gly). This variant is not present in population databases (gnomAD no frequency). This variant has not been reported in the literature in individuals affected with ATP1A3-related conditions. ClinVar contains an entry for this variant (Variation ID: 578191). Invitae Evidence Modeling of protein sequence and biophysical properties (such as structural, functional, and spatial information, amino acid conservation, physicochemical variation, residue mobility, and thermodynamic stability) has been performed for this missense variant. However, the output from this modeling did not meet the statistical confidence thresholds required to predict the impact of this variant on ATP1A3 protein function. In summary, the available evidence is currently insufficient to determine the role of this variant in disease. Therefore, it has been classified as a Variant of Uncertain Significance.